The following is an entry in ClinVar:

ClinVar aggregate classification (germline): Uncertain significance. Review status: criteria provided, multiple submitters, no conflicts (2 of 4 stars). 2 submissions from 2 submitters: Uncertain significance (2). Last evaluated 2022-05-04.

Conditions:
Inborn genetic diseases. Identifiers: MedGen C0950123, MeSH D030342.
Charcot-Marie-Tooth disease type 2. Also called: Charcot-Marie-Tooth type 2. Identifiers: Orphanet 64746, MedGen C0270914, MONDO:0018993.

Allele frequency attached by ClinVar (database versions not stated): TOPMed below 0.00001; gnomAD 0.00001.

Submissions (2):

Labcorp Genetics (formerly Invitae), Labcorp
Classification: Uncertain significance for Charcot-Marie-Tooth disease type 2. Last evaluated: 2022-05-04. Review status: criteria provided, single submitter. Criteria: Invitae Variant Classification Sherloc (09022015). Collection method: clinical testing. Allele origin: germline.
Comment: In summary, the available evidence is currently insufficient to determine the role of this variant in disease. Therefore, it has been classified as a Variant of Uncertain Significance. Advanced modeling of protein sequence and biophysical properties (such as structural, functional, and spatial information, amino acid conservation, physicochemical variation, residue mobility, and thermodynamic stability) performed at Invitae indicates that this missense variant is expected to disrupt MFN2 protein function. ClinVar contains an entry for this variant (Variation ID: 1052446). This variant has not been reported in the literature in individuals affected with MFN2-related conditions. This variant is not present in population databases (gnomAD no frequency). This sequence change replaces threonine, which is neutral and polar, with alanine, which is neutral and non-polar, at codon 139 of the MFN2 protein (p.Thr139Ala).

Ambry Genetics
Classification: Uncertain significance for Inborn genetic diseases. Last evaluated: 2020-03-31. Review status: criteria provided, single submitter. Criteria: Ambry Variant Classification Scheme 2023. Collection method: clinical testing. Allele origin: germline.
Comment: The p.T139A variant (also known as c.415A>G), located in coding exon 3 of the MFN2 gene, results from an A to G substitution at nucleotide position 415. The threonine at codon 139 is replaced by alanine, an amino acid with similar properties. This amino acid position is highly conserved in available vertebrate species. In addition, this alteration is predicted to be deleterious by in silico analysis. Since supporting evidence is limited at this time, the clinical significance of this alteration remains unclear.

NM_014874.4(MFN2):c.415A>G (p.Thr139Ala)

Gene: MFN2 (mitofusin 2; plus strand). Cytogenetic location: 1p36.22.
Variant type: single nucleotide variant.
Coding change: c.415A>G on transcript NM_014874.4 (MANE Select); coding-DNA position 415, A replaced by G.
Protein change: p.Thr139Ala; replaces threonine 139 with alanine.
Molecular consequence: missense variant.
Genome position (GRCh38, 1-based): chr1:11,996,259, A>G. VCF-style: chr1-11996259-A-G. GRCh37 (hg19) VCF-style: chr1-12056316-A-G.
Other names: c.415A>G, p.Thr139Ala (NM_001127660.2); short protein forms T139A.
Identifiers: ClinVar variation 1052446 (VCV001052446.11), dbSNP rs1349977366, ClinGen allele CA338434825.